The following is an entry in ClinVar:

ClinVar aggregate classification (germline): Uncertain significance (1 of 4 stars; one submission).

Conditions:
Long QT syndrome (LQTS). Identifiers: MedGen C0023976, MeSH D008133, MONDO:0002442. Disease mechanism: loss of function. Inheritance: Various modes of inheritance.

Submission:

Labcorp Genetics (formerly Invitae), Labcorp
Classification: Uncertain significance for Long QT syndrome. Last evaluated: 2025-10-23. Review status: criteria provided, single submitter. Criteria: Invitae Variant Classification Sherloc (09022015). Collection method: clinical testing. Allele origin: germline.
Comment: This sequence change replaces aspartic acid, which is acidic and polar, with glutamic acid, which is acidic and polar, at codon 188 of the SNTA1 protein (p.Asp188Glu). This variant is not present in population databases (gnomAD no frequency). This variant has not been reported in the literature in individuals affected with SNTA1-related conditions. Invitae Evidence Modeling of protein sequence and biophysical properties (such as structural, functional, and spatial information, amino acid conservation, physicochemical variation, residue mobility, and thermodynamic stability) indicates that this missense variant is not expected to disrupt SNTA1 protein function with a negative predictive value of 80%. In summary, the available evidence is currently insufficient to determine the role of this variant in disease. Therefore, it has been classified as a Variant of Uncertain Significance.

NM_003098.3(SNTA1):c.564C>A (p.Asp188Glu)

Gene: SNTA1 (syntrophin alpha 1; minus strand). Cytogenetic location: 20q11.21.
Variant type: single nucleotide variant.
Coding change: c.564C>A on transcript NM_003098.3 (MANE Select); coding-DNA position 564, C replaced by A.
Protein change: p.Asp188Glu; replaces aspartic acid 188 with glutamic acid.
Molecular consequence: missense variant.
Genome position (GRCh38, 1-based): chr20:33,417,856, G>T on the plus strand (C>A on the coding strand, the complement: SNTA1 is on the minus strand). VCF-style: chr20-33417856-G-T. GRCh37 (hg19) VCF-style: chr20-32005662-G-T.
Other names: c.564C>A, p.Asp188Glu (NM_001424413.1, NM_001424414.1); short protein forms D188E.
Identifiers: ClinVar variation 4706820 (VCV004706820.1).